The following is an entry in ClinVar:

ClinVar aggregate classification (germline): Pathogenic (1 of 4 stars; one submission).

Conditions:
X-linked hydrocephalus syndrome (HYCX). Also called: X-linked hydrocephalus; AQUEDUCTAL STENOSIS, X-LINKED; X-Linked Hydrocephalus with Stenosis of the Aqueduct of Sylvius; X-Linked Hydrocephalus with Stenosis of the Aqueduct of Sylvius (HSAS); HYDROCEPHALUS, CONGENITAL, X-LINKED. Identifiers: Orphanet 2182, MedGen C0265216, MONDO:0010611, OMIM 307000.

Submission:

Molecular Genetics laboratory, Necker Hospital
Classification: Pathogenic for X-linked hydrocephalus syndrome. Last evaluated: 2026-06-20. Review status: criteria provided, single submitter. Criteria: ACMG Guidelines, 2015. Collection method: clinical testing. Allele origin: de novo. Affected: yes. Observed: 1 variant allele.
Comment: The NM_001278116.1(L1CAM):c.408dup is a frameshift variant in L1CAM which is predicted to result in a premature STOP codon (90 aminoacids downstream of the Lys at position 137) and likely results in an absent or disrupted protein product in a gene where loss-of-function is a known mechanism of disease (PVS1). This variant is not present in gnomAD (PM2; version 4.1.1). In summary, this variant meets criteria to be classified as pathogenic for Hydrocephalus due to congenital stenosis of aqueduct of Sylvius syndrome based on the ACMG/AMP criteria applied: PVS1, PS2, PM2 (PMID: 25741868).

NM_001278116.2(L1CAM):c.408dup (p.Lys137fs)

Gene: L1CAM (L1 cell adhesion molecule; minus strand). Cytogenetic location: Xq28.
Variant type: Duplication.
Coding change: c.408dup on transcript NM_001278116.2 (MANE Select); coding-DNA position 408, one base duplicated (C; older notation c.408dupC).
Protein change: p.Lys137fs; shifts the reading frame from lysine 137.
Molecular consequence: frameshift variant.
Genome position (GRCh38, 1-based): chrX:153,871,172, G duplicated on the plus strand (C on the coding strand, the reverse complement: L1CAM is on the minus strand); the first of 5 consecutive G bases (chrX:153,871,172-153,871,176); duplicating any one gives the same sequence. VCF-style (leftmost placement, unchanged base first): chrX-153871171-T-TG. GRCh37 (hg19) VCF-style: chrX-153136626-T-TG.
Other names: c.408dup, p.Lys137fs (NM_000425.5, NM_024003.3); c.393dup, p.Lys132fs (NM_001143963.2); short protein forms K132fs, K137fs.
Identifiers: ClinVar variation 4857038 (VCV004857038.1).